The following is an entry in ClinVar:

NC_000001.10:g.(?_202300963)_(202304882_?)dup

Gene: UBE2T (ubiquitin conjugating enzyme E2 T; minus strand). Cytogenetic location: 1q32.1.
Variant type: Duplication.
Identifiers: ClinVar variation 2425910 (VCV002425910.3).

ClinVar aggregate classification (germline): Uncertain significance (1 of 4 stars; one submission).

Submission:

Labcorp Genetics (formerly Invitae), Labcorp
Classification: Uncertain significance. Last evaluated: 2022-03-21. Review status: criteria provided, single submitter. Criteria: Invitae Variant Classification Sherloc (09022015). Collection method: clinical testing. Allele origin: germline.
Comment: A copy number gain of the genomic region encompassing the full coding sequence of the UBE2T gene has been identified. The boundaries of this event are unknown as they extend beyond the assayed region for this gene and therefore may encompass additional genes. As the precise location of this event is unknown, it may be in tandem or it may be located elsewhere in the genome. This variant has not been reported in the literature in individuals affected with UBE2T-related conditions. Experimental studies and prediction algorithms are not available or were not evaluated, and the functional significance of this variant is currently unknown. In summary, the available evidence is currently insufficient to determine the role of this variant in disease. Therefore, it has been classified as a Variant of Uncertain Significance.